The following is an entry in ClinVar:

ClinVar aggregate classification (germline): Uncertain significance (1 of 4 stars; one submission).

Submission:

CeGaT Center for Human Genetics Tuebingen
Classification: Uncertain significance. Last evaluated: 2025-04-01. Review status: criteria provided, single submitter. Criteria: CeGaT Center For Human Genetics Tuebingen Variant Classification Criteria Version 2. Collection method: clinical testing. Allele origin: germline. Affected: yes. Observed: 1 variant allele.
Comment: KDM5C: PM2

NM_004187.5(KDM5C):c.2402C>T (p.Ala801Val)

Gene: KDM5C (lysine demethylase 5C; minus strand). Cytogenetic location: Xp11.22.
Variant type: single nucleotide variant.
Coding change: c.2402C>T on transcript NM_004187.5 (MANE Select); coding-DNA position 2402, C replaced by T.
Protein change: p.Ala801Val; replaces alanine 801 with valine.
Molecular consequence: missense variant. On other transcripts: non-coding transcript variant (3).
Genome position (GRCh38, 1-based): chrX:53,198,604, G>A on the plus strand (C>T on the coding strand, the complement: KDM5C is on the minus strand). VCF-style: chrX-53198604-G-A. GRCh37 (hg19) VCF-style: chrX-53227786-G-A.
Other names: c.2402C>T, p.Ala801Val (NM_001353984.2, NM_001353978.3, NM_001353981.2); c.2201C>T, p.Ala734Val (NM_001146702.2); c.2399C>T, p.Ala800Val (NM_001282622.3, NM_001353979.2, NM_001353982.2); short protein forms A734V, A800V, A801V.
Identifiers: ClinVar variation 3898531 (VCV003898531.7).